The following is an entry in ClinVar:

NM_005173.4(ATP2A3):c.2234C>A (p.Ala745Asp)

Gene: ATP2A3 (ATPase sarcoplasmic/endoplasmic reticulum Ca2+ transporting 3; minus strand). Cytogenetic location: 17p13.2.
Variant type: single nucleotide variant.
Coding change: c.2234C>A on transcript NM_005173.4 (MANE Select); coding-DNA position 2234, C replaced by A.
Protein change: p.Ala745Asp; replaces alanine 745 with aspartic acid.
Molecular consequence: missense variant.
Genome position (GRCh38, 1-based): chr17:3,937,503, G>T on the plus strand (C>A on the coding strand, the complement: ATP2A3 is on the minus strand). VCF-style: chr17-3937503-G-T. GRCh37 (hg19) VCF-style: chr17-3840797-G-T.
Other names: c.2234C>A, p.Ala745Asp (NM_174953.3, NM_174954.3, NM_174955.3 and 3 more transcripts); short protein forms A745D.
Identifiers: ClinVar variation 3038059 (VCV003038059.2), dbSNP rs140980200, ClinGen allele CA8296935.

ClinVar aggregate classification (germline): Likely benign (0 of 4 stars; one submission).

Conditions:
ATP2A3-related disorder. Also called: ATP2A3-related condition.

Allele frequency attached by ClinVar (database versions not stated): 1000 Genomes Project 0.00040; 1000 Genomes Project 30x 0.00047; gnomAD 0.00104; ExAC 0.00106; TOPMed 0.00134; gnomAD exomes 0.00146; ESP Exome Variant Server 0.00185.
gnomAD v4.1: 2,316 of 1,614,150 alleles (0.14%); highest among the groups gnomAD compares: Admixed American, 0.25%; 4 homozygotes.

Submission:

PreventionGenetics, part of Exact Sciences
Classification: Likely benign for ATP2A3-related condition. Last evaluated: 2022-08-09. Review status: no assertion criteria provided. Collection method: clinical testing. Allele origin: germline.
Comment: This variant is classified as likely benign based on ACMG/AMP sequence variant interpretation guidelines (Richards et al. 2015 PMID: 25741868, with internal and published modifications).